The following is an entry in ClinVar:

ClinVar aggregate classification (germline): Likely pathogenic (1 of 4 stars; one submission).

Conditions:
Hereditary diffuse gastric adenocarcinoma (HDGC). Also called: DIFFUSE GASTRIC AND LOBULAR BREAST CANCER SYNDROME. Identifiers: Orphanet 26106, MedGen C1708349, MONDO:0007648, OMIM 137215.

Submission:

Labcorp Genetics (formerly Invitae), Labcorp
Classification: Likely pathogenic for Hereditary diffuse gastric adenocarcinoma. Last evaluated: 2022-01-11. Review status: criteria provided, single submitter. Criteria: Invitae Variant Classification Sherloc (09022015). Collection method: clinical testing. Allele origin: germline.
Comment: This sequence change affects an acceptor splice site in intron 9 of the CDH1 gene. It is expected to disrupt RNA splicing. Variants that disrupt the donor or acceptor splice site typically lead to a loss of protein function (PMID: 16199547), and loss-of-function variants in CDH1 are known to be pathogenic (PMID: 15235021, 20373070). This variant is not present in population databases (gnomAD no frequency). This variant has not been reported in the literature in individuals affected with CDH1-related conditions. Algorithms developed to predict the effect of sequence changes on RNA splicing suggest that this variant may disrupt the consensus splice site. In summary, the currently available evidence indicates that the variant is pathogenic, but additional data are needed to prove that conclusively. Therefore, this variant has been classified as Likely Pathogenic.

Literature cited by the submitters: PubMed 16199547; PubMed 15235021; PubMed 20373070.

NM_004360.5(CDH1):c.1321-1G>A

Gene: CDH1 (cadherin 1; plus strand). Cytogenetic location: 16q22.1.
Variant type: single nucleotide variant.
Coding change: c.1321-1G>A on transcript NM_004360.5 (MANE Select); the canonical splice acceptor site of the intron before coding-DNA position 1321, G replaced by A.
Molecular consequence: splice acceptor variant.
Genome position (GRCh38, 1-based): chr16:68,815,514, G>A. VCF-style: chr16-68815514-G-A. GRCh37 (hg19) VCF-style: chr16-68849417-G-A.
Other names: c.-228-1G>A (NM_001317185.2); c.-499-1G>A (NM_001317186.2); c.1138-1G>A (NM_001317184.2).
Identifiers: ClinVar variation 2080500 (VCV002080500.4), dbSNP rs2152134665, ClinGen allele CA396462643.